The following is an entry in ClinVar:

NM_005859.5(PURA):c.305_308del (p.Leu102fs)

Gene: PURA (purine rich element binding protein A; plus strand). Cytogenetic location: 5q31.3.
Variant type: Microsatellite.
Coding change: c.305_308del on transcript NM_005859.5 (MANE Select); coding-DNA positions 305 to 308, 4 bases deleted (TCTC; older notation c.305_308delTCTC).
Protein change: p.Leu102fs; shifts the reading frame from leucine 102.
Molecular consequence: frameshift variant.
Genome position (GRCh38, 1-based): chr5:140,114,486-140,114,489, TCTC deleted; deleting any 4 consecutive bases within chr5:140,114,483-140,114,489 gives the same sequence; the c. name uses the placement nearest the transcript's 3' end. VCF-style (leftmost placement, unchanged base first): chr5-140114482-ACTCT-A. GRCh37 (hg19) VCF-style: chr5-139494067-ACTCT-A.
Other names: c.303_304TC[1], p.Leu102Profs (NM_005859.4); c.305_308delTCTC (NM_005859.4); short protein forms L102fs.
Identifiers: ClinVar variation 3052399 (VCV003052399.2), dbSNP rs587782992, ClinGen allele CA2695205324.

ClinVar aggregate classification (germline): Likely pathogenic (0 of 4 stars; one submission).

Conditions:
PURA-related disorder. Also called: PURA-related condition.

Submission:

PreventionGenetics, part of Exact Sciences
Classification: Likely pathogenic for PURA-related condition. Last evaluated: 2023-10-18. Review status: no assertion criteria provided. Collection method: clinical testing. Allele origin: germline.
Comment: The PURA c.305_308delTCTC variant is predicted to result in a frameshift and premature protein termination (p.Leu102Profs*122). This variant was reported de novo in an individual with hypotonia and developmental delay (Table 3, AlBanji et al. 2020. PubMed ID: 33101984). This variant has not been reported in a large population database, indicating this variant is rare. Frameshift variants in PURA are expected to be pathogenic. Loss of function variants located upstream and downstream of this variant have been associated with disease. This variant is interpreted as likely pathogenic.